The following is an entry in ClinVar:

ClinVar aggregate classification (germline): Uncertain significance (1 of 4 stars; one submission).

Conditions:
FGF17-related disorder. Also called: FGF17-related condition.

Submission:

PreventionGenetics, part of Exact Sciences
Classification: Uncertain significance for FGF17-related condition. Last evaluated: 2026-04-09. Review status: criteria provided, single submitter. Criteria: ACMG Guidelines, 2015. Collection method: clinical testing. Allele origin: germline.
Comment: The FGF17 c.179G>A variant is predicted to result in the amino acid substitution p.Arg60Lys. To our knowledge, this variant has not been reported in the literature or in a large population database (gnomAD), indicating this variant is rare. At this time, the clinical significance of this variant is uncertain due to the absence of conclusive functional and genetic evidence.

NM_003867.4(FGF17):c.179G>A (p.Arg60Lys)

Gene: FGF17 (fibroblast growth factor 17; plus strand). Cytogenetic location: 8p21.3.
Variant type: single nucleotide variant.
Coding change: c.179G>A on transcript NM_003867.4 (MANE Select); coding-DNA position 179, G replaced by A.
Protein change: p.Arg60Lys; replaces arginine 60 with lysine.
Molecular consequence: missense variant.
Genome position (GRCh38, 1-based): chr8:22,046,220, G>A. VCF-style: chr8-22046220-G-A. GRCh37 (hg19) VCF-style: chr8-21903731-G-A.
Other names: c.146G>A, p.Arg49Lys (NM_001304478.1); short protein forms R60K, R49K.
Identifiers: ClinVar variation 4984542 (VCV004984542.1).